The following is an entry in ClinVar:

ClinVar aggregate classification (germline): Uncertain significance (1 of 4 stars; one submission).

gnomAD v4.1: 46 of 1,600,792 alleles (0.0029%); highest among the groups gnomAD compares: Non-Finnish European, 0.0036%; no homozygotes.

Submission:

GeneDx
Classification: Uncertain significance. Last evaluated: 2026-01-26. Review status: criteria provided, single submitter. Criteria: GeneDx Variant Classification Process June 2021. Collection method: clinical testing. Allele origin: germline.
Comment: Not observed at significant frequency in large population cohorts (gnomAD); Missense variant in a gene in which most reported pathogenic variants are truncating/loss of function; Has not been previously published as pathogenic or benign to our knowledge

NM_001267550.2(TTN):c.100280A>T (p.Tyr33427Phe)

Genes: TTN (titin; minus strand), TTN-AS1 (TTN antisense RNA 1; plus strand), LOC126806420 (BRD4-independent group 4 enhancer GRCh37_chr2:179401104-179402303; plus strand). Cytogenetic location: 2q31.2.
Variant type: single nucleotide variant.
Coding change: c.100280A>T on transcript NM_001267550.2 (MANE Select); coding-DNA position 100280, A replaced by T.
Protein change: p.Tyr33427Phe; replaces tyrosine 33427 with phenylalanine.
Molecular consequence: missense variant.
Genome position (GRCh38, 1-based): chr2:178,536,467, T>A on the plus strand (A>T on the coding strand, the complement: TTN is on the minus strand). VCF-style: chr2-178536467-T-A. GRCh37 (hg19) VCF-style: chr2-179401194-T-A.
Other names: c.95357A>T, p.Tyr31786Phe (NM_001256850.1); c.73085A>T, p.Tyr24362Phe (NM_003319.4); c.92576A>T, p.Tyr30859Phe (NM_133378.4); c.73460A>T, p.Tyr24487Phe (NM_133432.3); c.73661A>T, p.Tyr24554Phe (NM_133437.4); short protein forms Y24362F, Y24487F, Y24554F, Y30859F, Y31786F, Y33427F.
Identifiers: ClinVar variation 4975614 (VCV004975614.1).